The following is an entry in ClinVar:

NM_004667.6(HERC2):c.9472T>G (p.Cys3158Gly)

Gene: HERC2 (HECT and RLD domain containing E3 ubiquitin protein ligase 2; minus strand). Cytogenetic location: 15q13.1.
Variant type: single nucleotide variant.
Coding change: c.9472T>G on transcript NM_004667.6 (MANE Select); coding-DNA position 9472, T replaced by G.
Protein change: p.Cys3158Gly; replaces cysteine 3158 with glycine.
Molecular consequence: missense variant.
Genome position (GRCh38, 1-based): chr15:28,176,729, A>C on the plus strand (T>G on the coding strand, the complement: HERC2 is on the minus strand). VCF-style: chr15-28176729-A-C. GRCh37 (hg19) VCF-style: chr15-28421875-A-C.
Other names: short protein forms C3158G.
Identifiers: ClinVar variation 3254785 (VCV003254785.1), dbSNP rs2548998139.
Genomic context (GRCh38, chr15:28,176,729, plus strand): 5'-ATCCTGCCAGCCACTCACCTTCATCGGTCAGAGCCAGGGTCTGCGCGTCTCTACTCCCAC[A>C]TGCAACCTGGATTACTCTGTGACCGAGAAGGACTTTCACCTACTCAATTACAAATTTAAA-3'
Protein context (NP_004658.3, residues 3148-3168): LLGHRVIQVA[Cys3158Gly]GSRDAQTLAL

ClinVar aggregate classification (germline): Uncertain significance (1 of 4 stars; one submission).

Conditions:
Developmental delay with autism spectrum disorder and gait instability (MRT38). Also called: Intellectual developmental disorder, autosomal recessive 38. Identifiers: Orphanet 329195, MedGen C3809753, MONDO:0014224, OMIM 615516.

Submission:

Victorian Clinical Genetics Services, Murdoch Childrens Research Institute
Classification: Uncertain significance for Developmental delay with autism spectrum disorder and gait instability. Last evaluated: 2023-07-16. Review status: criteria provided, single submitter. Criteria: ACMG Guidelines, 2015. Collection method: clinical testing. Allele origin: germline. Inheritance: Autosomal recessive inheritance. Affected: yes.
Comment: Based on the classification scheme VCGS_Germline_v1.3.4, this variant is classified as VUS-3B. Following criteria are met: 0102 - Loss of function is a known mechanism of disease in this gene and is associated with intellectual developmental disorder, autosomal recessive 38 (MIM#615516). (I) 0106 - This gene is associated with autosomal recessive disease. (I) 0200 - Variant is predicted to result in a missense amino acid change from cysteine to glycine. (I) 0251 - This variant is heterozygous. (I) 0301 - Variant is absent from gnomAD (both v2 and v3). (SP) 0501 - Missense variant consistently predicted to be damaging by multiple in silico tools or highly conserved with a major amino acid change. (SP) 0600 - Variant is located in the annotated regulator of chromosome condensation (RCC1) repeat domain (DECIPHER). (I) 0705 - No comparable missense variants have previous evidence for pathogenicity. (I) 0807 - This variant has no previous evidence of pathogenicity. (I) 0905 - No published segregation evidence has been identified for this variant. (I) 1007 - No published functional evidence has been identified for this variant. (I) Legend: (SP) - Supporting pathogenic, (I) - Information, (SB) - Supporting benign